The following is an entry in ClinVar:

NM_138477.4(CDAN1):c.3332_3339del (p.Arg1111fs)

Gene: CDAN1 (codanin 1; minus strand). Cytogenetic location: 15q15.2.
Variant type: Deletion.
Coding change: c.3332_3339del on transcript NM_138477.4 (MANE Select); coding-DNA positions 3332 to 3339, 8 bases deleted (GAAGGCTT; older notation c.3332_3339delGAAGGCTT).
Protein change: p.Arg1111fs; shifts the reading frame from arginine 1111.
Molecular consequence: frameshift variant.
Genome position (GRCh38, 1-based): chr15:42,725,600-42,725,607, AAGCCTTC deleted on the plus strand (GAAGGCTT on the coding strand, the reverse complement: CDAN1 is on the minus strand). VCF-style (leftmost placement, unchanged base first): chr15-42725599-GAAGCCTTC-G. GRCh37 (hg19) VCF-style: chr15-43017797-GAAGCCTTC-G.
Other names: short protein forms R1111fs.
Identifiers: ClinVar variation 3686596 (VCV003686596.2).

ClinVar aggregate classification (germline): Pathogenic (1 of 4 stars; one submission).

Submission:

Labcorp Genetics (formerly Invitae), Labcorp
Classification: Pathogenic. Last evaluated: 2024-07-22. Review status: criteria provided, single submitter. Criteria: Invitae Variant Classification Sherloc (09022015). Collection method: clinical testing. Allele origin: germline.
Comment: This sequence change creates a premature translational stop signal (p.Arg1111Profs*77) in the CDAN1 gene. While this is not anticipated to result in nonsense mediated decay, it is expected to disrupt the last 117 amino acid(s) of the CDAN1 protein. This variant is present in population databases (no rsID available, gnomAD 0.003%). This variant has not been reported in the literature in individuals affected with CDAN1-related conditions. This variant disrupts a region of the CDAN1 protein in which other variant(s) (p.Pro1130Leu) have been determined to be pathogenic (PMID: 28102861, 29031773, 29676459, 29936674, 33401150). This suggests that this is a clinically significant region of the protein, and that variants that disrupt it are likely to be disease-causing. For these reasons, this variant has been classified as Pathogenic.

Literature cited by the submitters: PubMed 28102861; PubMed 29031773; PubMed 29676459; PubMed 29936674; PubMed 33401150.